The following is an entry in ClinVar:

ClinVar aggregate classification (germline): Uncertain significance. Review status: criteria provided, multiple submitters, no conflicts (2 of 4 stars). 3 submissions from 3 submitters: Uncertain significance (3). Last evaluated 2025-12-14.

Conditions:
Atrioventricular septal defect 4 (AVSD4). Identifiers: MedGen C3280781, MONDO:0013747, OMIM 614430.
Cardiovascular phenotype. Identifiers: MedGen CN230736.

gnomAD v4.1: 4 of 1,581,612 alleles (0.00025%); highest among the groups gnomAD compares: Non-Finnish European, 0.00034%; no homozygotes.

Submissions (3):

Labcorp Genetics (formerly Invitae), Labcorp
Classification: Uncertain significance for Atrioventricular septal defect 4. Last evaluated: 2025-12-14. Review status: criteria provided, single submitter. Criteria: Invitae Variant Classification Sherloc (09022015). Collection method: clinical testing. Allele origin: germline.
Comment: This sequence change replaces proline, which is neutral and non-polar, with histidine, which is basic and polar, at codon 15 of the GATA4 protein (p.Pro15His). The frequency data for this variant in the population databases is considered unreliable, as metrics indicate poor data quality at this position in the gnomAD database. This variant has not been reported in the literature in individuals affected with GATA4-related conditions. ClinVar contains an entry for this variant (Variation ID: 2505979). Invitae Evidence Modeling of protein sequence and biophysical properties (such as structural, functional, and spatial information, amino acid conservation, physicochemical variation, residue mobility, and thermodynamic stability) indicates that this missense variant is not expected to disrupt GATA4 protein function with a negative predictive value of 95%. In summary, the available evidence is currently insufficient to determine the role of this variant in disease. Therefore, it has been classified as a Variant of Uncertain Significance.

Ambry Genetics
Classification: Uncertain significance for Cardiovascular phenotype. Last evaluated: 2024-09-20. Review status: criteria provided, single submitter. Criteria: Ambry Variant Classification Scheme 2023. Collection method: clinical testing. Allele origin: germline.
Comment: The p.P15H variant (also known as c.44C>A), located in coding exon 1 of the GATA4 gene, results from a C to A substitution at nucleotide position 44. The proline at codon 15 is replaced by histidine, an amino acid with similar properties. This amino acid position is conserved. In addition, the in silico prediction for this alteration is inconclusive. Based on the available evidence, the clinical significance of this variant remains unclear.

GeneDx
Classification: Uncertain significance. Last evaluated: 2022-12-14. Review status: criteria provided, single submitter. Criteria: GeneDx Variant Classification Process June 2021. Collection method: clinical testing. Allele origin: germline. Affected: yes.
Comment: Not observed at significant frequency in large population cohorts (gnomAD); In silico analysis supports that this missense variant has a deleterious effect on protein structure/function; Has not been previously published as pathogenic or benign to our knowledge

NM_001308093.3(GATA4):c.44C>A (p.Pro15His)

Gene: GATA4 (GATA binding protein 4). Cytogenetic location: 8p23.1.
Variant type: single nucleotide variant.
Coding change: c.44C>A on transcript NM_001308093.3 (MANE Select); coding-DNA position 44, C replaced by A.
Protein change: p.Pro15His; replaces proline 15 with histidine.
Molecular consequence: missense variant. On other transcripts: intron variant (3).
Genome position (GRCh38, 1-based): chr8:11,708,356, C>A. VCF-style: chr8-11708356-C-A. GRCh37 (hg19) VCF-style: chr8-11565865-C-A.
Other names: c.-6+7578C>A (NM_001308094.2); c.-3+342C>A (NM_001374274.1); c.-3+4052C>A (NM_001374273.1); c.44C>A, p.Pro15His (NM_002052.5); short protein forms P15H.
Identifiers: ClinVar variation 2505979 (VCV002505979.3), dbSNP rs766466946, ClinGen allele CA370308601.